The following is an entry in ClinVar:

ClinVar aggregate classification (germline): Benign (1 of 4 stars; one submission).

Conditions:
Fraser syndrome 1 (FRASRS1). Also called: CRYPTOPHTHALMOS WITH OTHER MALFORMATIONS. Identifiers: Orphanet 2052, MedGen C4551480, MONDO:0054737, OMIM 219000.

Allele frequency attached by ClinVar (database versions not stated): gnomAD 0.00098 and 0.00146; TOPMed 0.00161; 1000 Genomes Project 30x 0.00828; 1000 Genomes Project 0.00859.

Submission:

Illumina Laboratory Services, Illumina
Classification: Benign for Fraser syndrome 1. Last evaluated: 2018-01-12. Review status: criteria provided, single submitter. Criteria: ICSL Variant Classification Criteria 13 December 2019. Collection method: clinical testing. Allele origin: germline.
Comment: This variant was observed in the ICSL laboratory as part of a predisposition screen in an ostensibly healthy population. It had not been previously curated by ICSL or reported in the Human Gene Mutation Database (HGMD: prior to June 1st, 2018), and was therefore a candidate for classification through an automated scoring system. Utilizing variant allele frequency, disease prevalence and penetrance estimates, and inheritance mode, an automated score was calculated to assess if this variant is too frequent to cause the disease. Based on the score and internal cut-off values, a variant classified as benign is not then subjected to further curation. The score for this variant resulted in a classification of benign for this disease.

NM_025074.7(FRAS1):c.*503T>C

Gene: FRAS1 (Fraser extracellular matrix complex subunit 1; plus strand). Cytogenetic location: 4q21.21.
Variant type: single nucleotide variant.
Coding change: c.*503T>C on transcript NM_025074.7 (MANE Select); 503 bases downstream of the stop codon, T replaced by C.
Molecular consequence: 3 prime UTR variant.
Genome position (GRCh38, 1-based): chr4:78,541,627, T>C. VCF-style: chr4-78541627-T-C. GRCh37 (hg19) VCF-style: chr4-79462781-T-C.
Identifiers: ClinVar variation 349833 (VCV000349833.5), dbSNP rs3749484, ClinGen allele CA10621762.